The following is an entry in ClinVar:

ClinVar aggregate classification (germline): Uncertain significance. Review status: criteria provided, multiple submitters, no conflicts (2 of 4 stars). 2 submissions from 2 submitters: Uncertain significance (2). Last evaluated 2024-04-30.

Conditions:
Hereditary cancer-predisposing syndrome. Also called: Neoplastic Syndromes, Hereditary; Tumor predisposition; Hereditary neoplastic syndrome; Hereditary Cancer Syndrome. Identifiers: Orphanet 140162, MedGen C0027672, MeSH D009386, MONDO:0015356.
Cardiovascular phenotype. Identifiers: MedGen CN230736.

Allele frequency attached by ClinVar (database versions not stated): gnomAD 0.00001.
gnomAD v4.1: 1 of 1,611,532 alleles (0.000062%); highest among the groups gnomAD compares: African/African-American, 0.0013%; no homozygotes.

Submissions (2):

Labcorp Genetics (formerly Invitae), Labcorp
Classification: Uncertain significance. Last evaluated: 2024-04-30. Review status: criteria provided, single submitter. Criteria: Invitae Variant Classification Sherloc (09022015). Collection method: clinical testing. Allele origin: germline.
Comment: This sequence change falls in intron 12 of the LZTR1 gene. It does not directly change the encoded amino acid sequence of the LZTR1 protein. It affects a nucleotide within the consensus splice site. This variant is not present in population databases (gnomAD no frequency). This variant has not been reported in the literature in individuals affected with LZTR1-related conditions. Variants that disrupt the consensus splice site are a relatively common cause of aberrant splicing (PMID: 17576681, 9536098). Algorithms developed to predict the effect of sequence changes on RNA splicing suggest that this variant is not likely to affect RNA splicing. In summary, the available evidence is currently insufficient to determine the role of this variant in disease. Therefore, it has been classified as a Variant of Uncertain Significance.

Ambry Genetics
Classification: Uncertain significance for Cardiovascular phenotype; Hereditary cancer-predisposing syndrome. Last evaluated: 2023-08-07. Review status: criteria provided, single submitter. Criteria: Ambry Variant Classification Scheme 2023. Collection method: clinical testing. Allele origin: germline.
Comment: The c.1353+4G>C intronic variant results from a G to C substitution 4 nucleotides after coding exon 12 in the LZTR1 gene. This nucleotide position is not well conserved in available vertebrate species. In silico splice site analysis predicts that this alteration will not have any significant effect on splicing. Since supporting evidence is limited at this time, the clinical significance of this alteration remains unclear.

Literature cited by the submitters: PubMed 17576681 (cited by Labcorp Genetics (formerly Invitae), Labcorp); PubMed 9536098 (cited by Labcorp Genetics (formerly Invitae), Labcorp).

NM_006767.4(LZTR1):c.1353+4G>C

Gene: LZTR1 (leucine zipper like post translational regulator 1; plus strand). Cytogenetic location: 22q11.21.
Variant type: single nucleotide variant.
Coding change: c.1353+4G>C on transcript NM_006767.4 (MANE Select); 4 bases into the intron after coding-DNA position 1353, G replaced by C.
Molecular consequence: intron variant.
Genome position (GRCh38, 1-based): chr22:20,993,758, G>C. VCF-style: chr22-20993758-G-C. GRCh37 (hg19) VCF-style: chr22-21348047-G-C.
Identifiers: ClinVar variation 3238064 (VCV003238064.3), dbSNP rs1924691084.